The following is an entry in ClinVar:

ClinVar aggregate classification (germline): Uncertain significance. Review status: criteria provided, multiple submitters, no conflicts (2 of 4 stars). 2 submissions from 2 submitters: Uncertain significance (2). Last evaluated 2025-09-26.

Conditions:
Inborn genetic diseases. Identifiers: MedGen C0950123, MeSH D030342.

Allele frequency attached by ClinVar (database versions not stated): ExAC 0.00002; gnomAD 0.00007; TOPMed 0.00007; ESP Exome Variant Server 0.00015.

Submissions (2):

Ambry Genetics
Classification: Uncertain significance for Inborn genetic diseases. Last evaluated: 2025-09-26. Review status: criteria provided, single submitter. Criteria: Ambry Variant Classification Scheme 2023. Collection method: clinical testing. Allele origin: germline.

CeGaT Center for Human Genetics Tuebingen
Classification: Uncertain significance. Last evaluated: 2023-02-01. Review status: criteria provided, single submitter. Criteria: CeGaT Center For Human Genetics Tuebingen Variant Classification Criteria Version 2. Collection method: clinical testing. Allele origin: germline. Affected: yes. Observed: 1 variant allele.
Comment: PMPCA: PM2

NM_015160.3(PMPCA):c.1525G>A (p.Ala509Thr)

Gene: PMPCA (peptidase, mitochondrial processing subunit alpha; plus strand). Cytogenetic location: 9q34.3.
Variant type: single nucleotide variant.
Coding change: c.1525G>A on transcript NM_015160.3 (MANE Select); coding-DNA position 1525, G replaced by A.
Protein change: p.Ala509Thr; replaces alanine 509 with threonine.
Molecular consequence: missense variant.
Genome position (GRCh38, 1-based): chr9:136,423,211, G>A. VCF-style: chr9-136423211-G-A. GRCh37 (hg19) VCF-style: chr9-139317663-G-A.
Other names: c.1525G>A (NM_015160.1); c.1132G>A, p.Ala378Thr (NM_001282944.2); c.1225G>A, p.Ala409Thr (NM_001282946.2); short protein forms A378T, A409T, A509T.
Identifiers: ClinVar variation 2659736 (VCV002659736.24), dbSNP rs368032224, ClinGen allele CA5336576.